The following is an entry in ClinVar:

ClinVar aggregate classification (germline): Uncertain significance (1 of 4 stars; one submission).

Conditions:
Congenital myasthenic syndrome 2A. Also called: Myasthenic syndrome, congenital, 2a, slow-channel. Identifiers: Orphanet 590, MedGen C4225374, MONDO:0014581, OMIM 616313.

Submission:

Labcorp Genetics (formerly Invitae), Labcorp
Classification: Uncertain significance for Congenital myasthenic syndrome 2A. Last evaluated: 2019-03-22. Review status: criteria provided, single submitter. Criteria: Invitae Variant Classification Sherloc (09022015). Collection method: clinical testing. Allele origin: germline.
Comment: In summary, the available evidence is currently insufficient to determine the role of this variant in disease. Therefore, it has been classified as a Variant of Uncertain Significance. Experimental studies are not available for this variant, and the functional significance of a copy number gain of these exons is currently unknown. This variant has not been reported in the literature in individuals with CHRNB1-related disease. This variant results in a copy number gain of the genomic region encompassing exons 1-7 of the CHRNB1 gene. The 5' end of this event is unknown as it extends beyond the assayed region for this gene and therefore may encompass additional genes. The 3' boundary is likely confined to intron 7 of the CHRNB1 gene. As the precise location of this event is unknown, it may be in tandem or it may be located elsewhere in the genome.

NC_000017.10:g.(?_7348427)_(7352127_?)dup

Genes: CHRNB1 (cholinergic receptor nicotinic beta 1 subunit; plus strand), LOC130060147 (ATAC-STARR-seq lymphoblastoid silent region 8121; plus strand). Cytogenetic location: 17p13.1.
Variant type: Duplication.
Identifiers: ClinVar variation 658985 (VCV000658985.5).